The following is an entry in ClinVar:

ClinVar aggregate classification (germline): Uncertain significance (1 of 4 stars; one submission).

Conditions:
Inborn genetic diseases. Identifiers: MedGen C0950123, MeSH D030342.

Submission:

Ambry Genetics
Classification: Uncertain significance for Inborn genetic diseases. Last evaluated: 2026-01-14. Review status: criteria provided, single submitter. Criteria: Ambry Variant Classification Scheme 2023. Collection method: clinical testing. Allele origin: germline.
Comment: The p.K455Q variant (also known as c.1363A>C), located in coding exon 13 of the DDX41 gene, results from an A to C substitution at nucleotide position 1363. The lysine at codon 455 is replaced by glutamine, an amino acid with similar properties. This amino acid position is conserved. In addition, the in silico prediction for this alteration is inconclusive. Based on the available evidence, the clinical significance of this variant remains unclear.

NM_016222.4(DDX41):c.1363A>C (p.Lys455Gln)

Gene: DDX41 (DEAD-box helicase 41; minus strand). Cytogenetic location: 5q35.3.
Variant type: single nucleotide variant.
Coding change: c.1363A>C on transcript NM_016222.4 (MANE Select); coding-DNA position 1363, A replaced by C.
Protein change: p.Lys455Gln; replaces lysine 455 with glutamine.
Molecular consequence: missense variant.
Genome position (GRCh38, 1-based): chr5:177,512,816, T>G on the plus strand (A>C on the coding strand, the complement: DDX41 is on the minus strand). VCF-style: chr5-177512816-T-G. GRCh37 (hg19) VCF-style: chr5-176939817-T-G.
Other names: c.985A>C, p.Lys329Gln (NM_001321732.2, NM_001321830.2); short protein forms K329Q, K455Q.
Identifiers: ClinVar variation 4841806 (VCV004841806.1).